The following is an entry in ClinVar:

NC_000018.9:g.(?_29118704)_(29126716_?)dup

Gene: DSG2 (desmoglein 2; plus strand). Cytogenetic location: 18q12.1.
Variant type: Duplication.
Identifiers: ClinVar variation 1035721 (VCV001035721.5).

ClinVar aggregate classification (germline): Uncertain significance (1 of 4 stars; one submission).

Conditions:
Arrhythmogenic right ventricular dysplasia 10. Also called: Arrhythmogenic right ventricular dysplasia/cardiomyopathy, type 10; Arrhythmogenic Right Ventricular Dysplasia/Cardiomyopathy10; ARRHYTHMOGENIC RIGHT VENTRICULAR DYSPLASIA, FAMILIAL, 10. Identifiers: MedGen C1857777, MONDO:0012434, OMIM 610193.

Submission:

Labcorp Genetics (formerly Invitae), Labcorp
Classification: Uncertain significance for Arrhythmogenic right ventricular dysplasia 10. Last evaluated: 2020-09-24. Review status: criteria provided, single submitter. Criteria: Invitae Variant Classification Sherloc (09022015). Collection method: clinical testing. Allele origin: germline.
Comment: In summary, the available evidence is currently insufficient to determine the role of this variant in disease. Therefore, it has been classified as a Variant of Uncertain Significance. Experimental studies and prediction algorithms are not available or were not evaluated, and the functional significance of this variant is currently unknown. This variant has not been reported in the literature in individuals with DSG2-related conditions. This variant results in a copy number gain of the genomic region encompassing exon(s) 12-15 of the DSG2 gene. The 5' boundary is likely confined to intron 11. The 3' end of this event is unknown as it extends beyond the assayed region for this gene and therefore may encompass additional genes. As the precise location of this event is unknown, it may be in tandem or it may be located elsewhere in the genome.